The following is an entry in ClinVar:

ClinVar aggregate classification (germline): Uncertain significance (1 of 4 stars; one submission).

Conditions:
Spastic paraplegia. Identifiers: MedGen C0037772, HP:0001258.

Submission:

Labcorp Genetics (formerly Invitae), Labcorp
Classification: Uncertain significance for Spastic paraplegia. Last evaluated: 2025-12-21. Review status: criteria provided, single submitter. Criteria: Invitae Variant Classification Sherloc (09022015). Collection method: clinical testing. Allele origin: germline.
Comment: This sequence change replaces valine, which is neutral and non-polar, with leucine, which is neutral and non-polar, at codon 99 of the GJC2 protein (p.Val99Leu). This variant is not present in population databases (gnomAD no frequency). This variant has not been reported in the literature in individuals affected with GJC2-related conditions. Invitae Evidence Modeling of protein sequence and biophysical properties (such as structural, functional, and spatial information, amino acid conservation, physicochemical variation, residue mobility, and thermodynamic stability) indicates that this missense variant is not expected to disrupt GJC2 protein function with a negative predictive value of 95%. In summary, the available evidence is currently insufficient to determine the role of this variant in disease. Therefore, it has been classified as a Variant of Uncertain Significance.

NM_020435.4(GJC2):c.295G>C (p.Val99Leu)

Gene: GJC2 (gap junction protein gamma 2; plus strand). Cytogenetic location: 1q42.13.
Variant type: single nucleotide variant.
Coding change: c.295G>C on transcript NM_020435.4 (MANE Select); coding-DNA position 295, G replaced by C.
Protein change: p.Val99Leu; replaces valine 99 with leucine.
Molecular consequence: missense variant.
Genome position (GRCh38, 1-based): chr1:228,158,053, G>C. VCF-style: chr1-228158053-G-C. GRCh37 (hg19) VCF-style: chr1-228345754-G-C.
Other names: short protein forms V99L.
Identifiers: ClinVar variation 4718975 (VCV004718975.1).